The following is an entry in ClinVar:

NM_001845.6(COL4A1):c.2130G>A (p.Pro710=)

Gene: COL4A1 (collagen type IV alpha 1 chain; minus strand). Cytogenetic location: 13q34.
Variant type: single nucleotide variant.
Coding change: c.2130G>A on transcript NM_001845.6 (MANE Select); coding-DNA position 2130, G replaced by A.
Protein change: p.Pro710=; no amino-acid change (proline 710 retained).
Molecular consequence: synonymous variant.
Genome position (GRCh38, 1-based): chr13:110,181,355, C>T on the plus strand (G>A on the coding strand, the complement: COL4A1 is on the minus strand). VCF-style: chr13-110181355-C-T. GRCh37 (hg19) VCF-style: chr13-110833702-C-T.
Other names: p.Pro710=.
Identifiers: ClinVar variation 258249 (VCV000258249.28), dbSNP rs16975492, ClinGen allele CA7047692.

ClinVar aggregate classification (germline): Benign. Review status: criteria provided, multiple submitters, no conflicts (2 of 4 stars). 12 submissions from 11 submitters: Benign (9). 3 of the submissions do not count toward it. Last evaluated 2026-02-04.

Conditions:
Brain small vessel disease 1 with or without ocular anomalies (BSVD1). Also called: BRAIN SMALL VESSEL DISEASE WITH HEMORRHAGE; PORENCEPHALY, TYPE 1, AUTOSOMAL DOMINANT; GOULD SYNDROME 1; Brain small vessel disease with or without ocular anomalies. Identifiers: Orphanet 2940, Orphanet 36383, Orphanet 99810, MedGen C4755307, MONDO:0008289, OMIM 175780.
Autosomal dominant familial hematuria-retinal arteriolar tortuosity-contractures syndrome. Also called: Angiopathy, hereditary, with nephropathy, aneurysms, and muscle cramps; Hereditary Angiopathy with Nephropathy, Aneurysms, and Muscle Cramps (HANAC) Syndrome. Identifiers: Orphanet 73229, MedGen C2673195, MONDO:0012726, OMIM 611773.

Allele frequency attached by ClinVar (database versions not stated): 1000 Genomes Project 30x 0.30434; 1000 Genomes Project 0.30711; ESP Exome Variant Server 0.32162; TOPMed 0.32444; gnomAD 0.32638 and 0.32653; ExAC 0.34768; gnomAD exomes 0.35057 and 0.35901.
gnomAD v4.1: 573,489 of 1,612,120 alleles (36%); highest among the groups gnomAD compares: Admixed American, 38%; 103,505 homozygotes.

Submissions (12):

Labcorp Genetics (formerly Invitae), Labcorp
Classification: Benign. Last evaluated: 2026-02-04. Review status: criteria provided, single submitter. Criteria: Invitae Variant Classification Sherloc (09022015). Collection method: clinical testing. Allele origin: germline.

Blueprint Genetics
Classification: Benign. Last evaluated: 2024-11-27. Review status: criteria provided, single submitter. Criteria: ACMG Guidelines, 2015. Collection method: clinical testing. Allele origin: germline.

Mayo Clinic Laboratories, Mayo Clinic
Classification: Benign. Last evaluated: 2022-04-26. Review status: criteria provided, single submitter. Criteria: ACMG Guidelines, 2015. Collection method: clinical testing. Allele origin: germline. Observed: 657 variant alleles.

Athena Diagnostics
Classification: Benign. Last evaluated: 2021-06-02. Review status: criteria provided, single submitter. Criteria: Athena Diagnostics criteria. Collection method: clinical testing. Allele origin: unknown.

Illumina Laboratory Services, Illumina
Classification: Benign for Autosomal dominant familial hematuria-retinal arteriolar tortuosity-contractures syndrome. Last evaluated: 2018-01-13. Review status: criteria provided, single submitter. Criteria: ICSL Variant Classification Criteria 13 December 2019. Collection method: clinical testing. Allele origin: germline.
Comment: This variant was observed in the ICSL laboratory as part of a predisposition screen in an ostensibly healthy population. It had not been previously curated by ICSL or reported in the Human Gene Mutation Database (HGMD: prior to June 1st, 2018), and was therefore a candidate for classification through an automated scoring system. Utilizing variant allele frequency, disease prevalence and penetrance estimates, and inheritance mode, an automated score was calculated to assess if this variant is too frequent to cause the disease. Based on the score and internal cut-off values, a variant classified as benign is not then subjected to further curation. The score for this variant resulted in a classification of benign for this disease.

Illumina Laboratory Services, Illumina
Classification: Benign for Brain small vessel disease 1 with or without ocular anomalies. Last evaluated: 2018-01-13. Review status: criteria provided, single submitter. Criteria: ICSL Variant Classification Criteria 13 December 2019. Collection method: clinical testing. Allele origin: germline.
Comment: the same text as in the submission from Illumina Laboratory Services, Illumina above.

GeneDx
Classification: Benign. Last evaluated: 2017-07-19. Review status: criteria provided, single submitter. Criteria: GeneDx Variant Classification (06012015). Collection method: clinical testing. Allele origin: germline. Affected: yes.
Comment: This variant is considered likely benign or benign based on one or more of the following criteria: it is a conservative change, it occurs at a poorly conserved position in the protein, it is predicted to be benign by multiple in silico algorithms, and/or has population frequency not consistent with disease.

Breakthrough Genomics
Classification: Benign. Review status: criteria provided, single submitter. Criteria: ACMG Guidelines, 2015. Collection method: not provided. Allele origin: germline. Inheritance: Autosomal dominant inheritance. Affected: yes.

PreventionGenetics, part of Exact Sciences
Classification: Benign. Review status: criteria provided, single submitter. Criteria: ACMG Guidelines, 2015. Collection method: clinical testing. Allele origin: germline.

Clinical Genetics DNA and cytogenetics Diagnostics Lab, Erasmus MC, Erasmus Medical Center
Classification: Benign. Review status: no assertion criteria provided. Collection method: clinical testing. Allele origin: germline. Affected: yes. Study: VKGL Data-share Consensus. Not counted in ClinVar's aggregate classification.

Diagnostic Laboratory, Department of Genetics, University Medical Center Groningen
Classification: Benign. Review status: no assertion criteria provided. Collection method: clinical testing. Allele origin: germline. Affected: yes. Study: VKGL Data-share Consensus. Not counted in ClinVar's aggregate classification.

Joint Genome Diagnostic Labs from Nijmegen and Maastricht, Radboudumc and MUMC+
Classification: Benign. Review status: no assertion criteria provided. Collection method: clinical testing. Allele origin: germline. Affected: yes. Study: VKGL Data-share Consensus. Not counted in ClinVar's aggregate classification.